The following is an entry in ClinVar:

ClinVar aggregate classification (germline): Likely benign. Review status: criteria provided, multiple submitters, no conflicts (2 of 4 stars). 5 submissions from 5 submitters: Likely benign (5). Last evaluated 2025-12-08.

Conditions:
Familial thoracic aortic aneurysm and aortic dissection (TAAD). Also called: Thoracic aortic aneurysms and dissections. Identifiers: Orphanet 91387, MedGen C4707243, MONDO:0019625.
Aortic aneurysm, familial thoracic 4 (AAT4). Also called: AORTIC ANEURYSM/AORTIC DISSECTION AND PATENT DUCTUS ARTERIOSUS. Identifiers: MedGen C1851504, MONDO:0007568, OMIM 132900.

Allele frequency attached by ClinVar (database versions not stated): gnomAD exomes below 0.00001; gnomAD 0.00002; TOPMed 0.00002.
gnomAD v4.1: 9 of 1,613,778 alleles (0.00056%); highest among the groups gnomAD compares: Admixed American, 0.0017%; no homozygotes.

Submissions (5):

Labcorp Genetics (formerly Invitae), Labcorp
Classification: Likely benign for Aortic aneurysm, familial thoracic 4. Last evaluated: 2025-12-08. Review status: criteria provided, single submitter. Criteria: Invitae Variant Classification Sherloc (09022015). Collection method: clinical testing. Allele origin: germline.

All of Us Research Program, National Institutes of Health
Classification: Likely benign for Familial thoracic aortic aneurysm and aortic dissection. Last evaluated: 2023-12-01. Review status: criteria provided, single submitter. Criteria: ACMG Guidelines, 2015. Collection method: clinical testing. Allele origin: germline. Inheritance: Autosomal dominant inheritance. Observed: 2 variant alleles, 2 heterozygotes.
Comment: This study involves interpretation of variants in research participants for the purpose of population health screening. Participant phenotype was not available at the time of variant classification. Additional details can be found in publication PMID: 35346344, PMCID: PMC8962531

Color Diagnostics, LLC DBA Color Health
Classification: Likely benign for Familial thoracic aortic aneurysm and aortic dissection. Last evaluated: 2020-03-03. Review status: criteria provided, single submitter. Criteria: ACMG Guidelines, 2015. Collection method: clinical testing. Allele origin: germline.

Ambry Genetics
Classification: Likely benign for Familial thoracic aortic aneurysm and aortic dissection. Last evaluated: 2020-01-12. Review status: criteria provided, single submitter. Criteria: Ambry Variant Classification Scheme 2023. Collection method: clinical testing. Allele origin: germline.

GeneDx
Classification: Likely benign. Last evaluated: 2018-09-19. Review status: criteria provided, single submitter. Criteria: GeneDx Variant Classification Process June 2021. Collection method: clinical testing. Allele origin: germline. Affected: yes.

NM_002474.3(MYH11):c.3036G>A (p.Thr1012=)

Gene: MYH11 (myosin heavy chain 11; minus strand). Cytogenetic location: 16p13.11.
Variant type: single nucleotide variant.
Coding change: c.3036G>A on transcript NM_002474.3 (MANE Select); coding-DNA position 3036, G replaced by A.
Protein change: p.Thr1012=; no amino-acid change (threonine 1012 retained).
Molecular consequence: synonymous variant.
Genome position (GRCh38, 1-based): chr16:15,738,650, C>T on the plus strand (G>A on the coding strand, the complement: MYH11 is on the minus strand). VCF-style: chr16-15738650-C-T. GRCh37 (hg19) VCF-style: chr16-15832507-C-T.
Other names: c.3057G>A, p.Thr1019= (NM_001040113.2, NM_001040114.2); c.3036G>A, p.Thr1012= (NM_022844.3).
Identifiers: ClinVar variation 919103 (VCV000919103.15), dbSNP rs1409053471, ClinGen allele CA493783773.